The following is an entry in ClinVar:

NM_014727.3(KMT2B):c.491C>G (p.Pro164Arg)

Gene: KMT2B (lysine methyltransferase 2B; plus strand). Cytogenetic location: 19q13.12.
Variant type: single nucleotide variant.
Coding change: c.491C>G on transcript NM_014727.3 (MANE Select); coding-DNA position 491, C replaced by G.
Protein change: p.Pro164Arg; replaces proline 164 with arginine.
Molecular consequence: missense variant.
Genome position (GRCh38, 1-based): chr19:35,719,838, C>G. VCF-style: chr19-35719838-C-G. GRCh37 (hg19) VCF-style: chr19-36210740-C-G.
Other names: short protein forms P164R.
Identifiers: ClinVar variation 4720463 (VCV004720463.1).
Genomic context (GRCh38, chr19:35,719,838, plus strand): 5'-TTTTAGGTCGAGCGCCCCGAGGTCGGGGTCGCAAGCATAAGACGACCCCCCTTCCTCCTC[C>G]TCGCCTAGCAGATGTGGCTCCTACCCCCCCAAAGACCCCTGCCCGGAAACGGGGTGAGGA-3'
Protein context (NP_055542.1, residues 154-174): RKHKTTPLPP[Pro164Arg]RLADVAPTPP

ClinVar aggregate classification (germline): Uncertain significance (1 of 4 stars; one submission).

Submission:

Labcorp Genetics (formerly Invitae), Labcorp
Classification: Uncertain significance. Last evaluated: 2025-04-14. Review status: criteria provided, single submitter. Criteria: Invitae Variant Classification Sherloc (09022015). Collection method: clinical testing. Allele origin: germline.
Comment: This sequence change replaces proline, which is neutral and non-polar, with arginine, which is basic and polar, at codon 164 of the KMT2B protein (p.Pro164Arg). This variant is not present in population databases (gnomAD no frequency). This variant has not been reported in the literature in individuals affected with KMT2B-related conditions. Invitae Evidence Modeling of protein sequence and biophysical properties (such as structural, functional, and spatial information, amino acid conservation, physicochemical variation, residue mobility, and thermodynamic stability) indicates that this missense variant is not expected to disrupt KMT2B protein function with a negative predictive value of 95%. In summary, the available evidence is currently insufficient to determine the role of this variant in disease. Therefore, it has been classified as a Variant of Uncertain Significance.